The following is an entry in ClinVar:

ClinVar aggregate classification (germline): Uncertain significance. Review status: criteria provided, single submitter (1 of 4 stars). 2 submissions from 2 submitters: Uncertain significance (1). 1 of the submissions does not count toward it. Last evaluated 2021-08-26.

Conditions:
Retinitis pigmentosa 59 (RP59). Identifiers: Orphanet 791, MedGen C3151227, MONDO:0013468, OMIM 613861.

Allele frequency attached by ClinVar (database versions not stated): TOPMed 0.00001.

Submissions (2):

Labcorp Genetics (formerly Invitae), Labcorp
Classification: Uncertain significance for Retinitis pigmentosa 59. Last evaluated: 2021-08-26. Review status: criteria provided, single submitter. Criteria: Invitae Variant Classification Sherloc (09022015). Collection method: clinical testing. Allele origin: germline.
Comment: This sequence change replaces isoleucine with valine at codon 29 of the DHDDS protein (p.Ile29Val). The isoleucine residue is weakly conserved and there is a small physicochemical difference between isoleucine and valine. This variant is not present in population databases (ExAC no frequency). This variant has not been reported in the literature in individuals affected with DHDDS-related conditions. Algorithms developed to predict the effect of missense changes on protein structure and function output the following: SIFT: "Tolerated"; PolyPhen-2: "Benign"; Align-GVGD: "Class C0". The valine amino acid residue is found in multiple mammalian species, which suggests that this missense change does not adversely affect protein function. In summary, the available evidence is currently insufficient to determine the role of this variant in disease. Therefore, it has been classified as a Variant of Uncertain Significance.

Natera, Inc.
Classification: Uncertain significance for Retinitis pigmentosa type 59. Last evaluated: 2021-05-11. Review status: no assertion criteria provided. Collection method: clinical testing. Allele origin: germline. Not counted in ClinVar's aggregate classification.

NM_205861.3(DHDDS):c.85A>G (p.Ile29Val)

Gene: DHDDS (dehydrodolichyl diphosphate synthase subunit; plus strand). Cytogenetic location: 1p36.11.
Variant type: single nucleotide variant.
Coding change: c.85A>G on transcript NM_205861.3 (MANE Select); coding-DNA position 85, A replaced by G.
Protein change: p.Ile29Val; replaces isoleucine 29 with valine.
Molecular consequence: missense variant. On other transcripts: 5 prime UTR variant (1).
Genome position (GRCh38, 1-based): chr1:26,438,189, A>G. VCF-style: chr1-26438189-A-G. GRCh37 (hg19) VCF-style: chr1-26764680-A-G.
Other names: c.85A>G, p.Ile29Val (NM_001243564.2, NM_001243565.2, NM_024887.4); c.-218A>G (NM_001319959.2); short protein forms I29V.
Identifiers: ClinVar variation 1018106 (VCV001018106.9), dbSNP rs2075180906, ClinGen allele CA339138531.
Genomic context (GRCh38, chr1:26,438,189, plus strand): 5'-ATATGAGACCTGTTCATCATTTGTCTTCCTATTCCACAGGCAGGCCCAATGCCGAAACAC[A>G]TTGCATTCATAATGGACGGGAACCGTCGCTATGCCAAGAAGTGCCAGGTGGAGCGGCAGG-3'
Protein context (NP_995583.1, residues 19-39): IIKAGPMPKH[Ile29Val]AFIMDGNRRY